The following is an entry in ClinVar:

ClinVar aggregate classification (germline): Uncertain significance (1 of 4 stars; one submission).

Submission:

GeneDx
Classification: Uncertain significance. Last evaluated: 2022-01-21. Review status: criteria provided, single submitter. Criteria: GeneDx Variant Classification Process June 2021. Collection method: clinical testing. Allele origin: germline. Affected: yes.
Comment: Not observed at significant frequency in large population cohorts (gnomAD); In silico analysis supports that this missense variant has a deleterious effect on protein structure/function; Has not been previously published as pathogenic or benign to our knowledge

NM_205768.3(ZBTB18):c.335A>G (p.Tyr112Cys)

Gene: ZBTB18 (zinc finger and BTB domain containing 18; plus strand). Cytogenetic location: 1q44.
Variant type: single nucleotide variant.
Coding change: c.335A>G on transcript NM_205768.3 (MANE Select); coding-DNA position 335, A replaced by G.
Protein change: p.Tyr112Cys; replaces tyrosine 112 with cysteine.
Molecular consequence: missense variant.
Genome position (GRCh38, 1-based): chr1:244,054,109, A>G. VCF-style: chr1-244054109-A-G. GRCh37 (hg19) VCF-style: chr1-244217411-A-G.
Other names: c.308A>G, p.Tyr103Cys (NM_001278196.2, NM_006352.5); short protein forms Y103C, Y112C.
Identifiers: ClinVar variation 1698212 (VCV001698212.2), dbSNP rs2148556215, ClinGen allele CA345672665.